The following is an entry in ClinVar:

ClinVar aggregate classification (germline): Uncertain significance (1 of 4 stars; one submission).

Conditions:
Atypical hemolytic-uremic syndrome. Identifiers: Orphanet 2134, MedGen C2931788, MONDO:0016244.
Basal laminar drusen. Also called: DRUSEN OF BRUCH MEMBRANE; DRUSEN, CUTICULAR; DRUSEN, EARLY ADULT-ONSET, GROUPED. Identifiers: Orphanet 75376, MedGen C0730295, MONDO:0007472, OMIM 126700.
Factor H deficiency (CFHD). Also called: COMPLEMENT FACTOR H DEFICIENCY; CFH DEFICIENCY. Identifiers: Orphanet 200421, MedGen C0398777, MONDO:0012350, OMIM 609814.
Age related macular degeneration 4. Identifiers: MedGen C1853147, MONDO:0012540, OMIM 610698.

Submission:

Genomenon, Inc
Classification: Uncertain significance for Basal laminar drusen; Age related macular degeneration 4; Atypical hemolytic-uremic syndrome; Factor H deficiency. Last evaluated: 2025-10-02. Review status: criteria provided, single submitter. Criteria: Genomenon Sequence Variant Interpretation Standards - Updated. Collection method: curation. Allele origin: germline. Affected: no.
Comment: CFH p.His337Tyr (c.1009C>T) is a missense variant that changes the amino acid at residue 337 from Histidine to Tyrosine. This variant has been reported in the published literature (PMID:19273554;23133374). It is absent or not present at a significant frequency in gnomAD. In silico models agree that this variant is not damaging. In conclusion, we classify CFH p.His337Tyr (c.1009C>T) as a variant of uncertain significance.

Literature cited by the submitters: PubMed 19273554; PubMed 23133374.

NM_000186.4(CFH):c.1009C>T (p.His337Tyr)

Gene: CFH (complement factor H; plus strand). Cytogenetic location: 1q31.3.
Variant type: single nucleotide variant.
Coding change: c.1009C>T on transcript NM_000186.4 (MANE Select); coding-DNA position 1009, C replaced by T.
Protein change: p.His337Tyr; replaces histidine 337 with tyrosine.
Molecular consequence: missense variant.
Genome position (GRCh38, 1-based): chr1:196,689,464, C>T. VCF-style: chr1-196689464-C-T. GRCh37 (hg19) VCF-style: chr1-196658594-C-T.
Other names: c.1009C>T, p.His337Tyr (NM_001014975.3); short protein forms H337Y.
Identifiers: ClinVar variation 4291345 (VCV004291345.1).